The following is an entry in ClinVar:

ClinVar aggregate classification (germline): Uncertain significance (1 of 4 stars; one submission).

Allele frequency attached by ClinVar (database versions not stated): gnomAD 0.00001; gnomAD exomes 0.00001 and 0.00002; TOPMed 0.00001.
gnomAD v4.1: 12 of 1,612,894 alleles (0.00074%); highest among the groups gnomAD compares: South Asian, 0.0088%; 1 homozygote.

Submission:

Labcorp Genetics (formerly Invitae), Labcorp
Classification: Uncertain significance. Last evaluated: 2024-02-28. Review status: criteria provided, single submitter. Criteria: Invitae Variant Classification Sherloc (09022015). Collection method: clinical testing. Allele origin: germline.
Comment: This sequence change replaces arginine, which is basic and polar, with cysteine, which is neutral and slightly polar, at codon 324 of the ADIPOR1 protein (p.Arg324Cys). This variant is present in population databases (no rsID available, gnomAD 0.003%). This variant has not been reported in the literature in individuals affected with ADIPOR1-related conditions. ClinVar contains an entry for this variant (Variation ID: 1063189). An algorithm developed to predict the effect of missense changes on protein structure and function (PolyPhen-2) suggests that this variant is likely to be tolerated. In summary, the available evidence is currently insufficient to determine the role of this variant in disease. Therefore, it has been classified as a Variant of Uncertain Significance.

NM_015999.6(ADIPOR1):c.970C>T (p.Arg324Cys)

Gene: ADIPOR1 (adiponectin receptor 1; minus strand). Cytogenetic location: 1q32.1.
Variant type: single nucleotide variant.
Coding change: c.970C>T on transcript NM_015999.6 (MANE Select); coding-DNA position 970, C replaced by T.
Protein change: p.Arg324Cys; replaces arginine 324 with cysteine.
Molecular consequence: missense variant.
Genome position (GRCh38, 1-based): chr1:202,942,054, G>A on the plus strand (C>T on the coding strand, the complement: ADIPOR1 is on the minus strand). VCF-style: chr1-202942054-G-A. GRCh37 (hg19) VCF-style: chr1-202911182-G-A.
Other names: c.970C>T, p.Arg324Cys (NM_001290553.2, NM_001290557.1, NM_001290629.1); short protein forms R324C.
Identifiers: ClinVar variation 1063189 (VCV001063189.9), dbSNP rs1295319833, ClinGen allele CA344277948.